The following is an entry in ClinVar:

NM_015910.7(WDPCP):c.209-1G>A

Gene: WDPCP (WD repeat containing planar cell polarity effector; minus strand). Cytogenetic location: 2p15.
Variant type: single nucleotide variant.
Coding change: c.209-1G>A on transcript NM_015910.7 (MANE Select); the canonical splice acceptor site of the intron before coding-DNA position 209, G replaced by A.
Molecular consequence: splice acceptor variant.
Genome position (GRCh38, 1-based): chr2:63,486,587, C>T on the plus strand (G>A on the coding strand, the complement: WDPCP is on the minus strand). VCF-style: chr2-63486587-C-T. GRCh37 (hg19) VCF-style: chr2-63713721-C-T.
Other names: c.137-1G>A (NM_001354044.2); c.209-1G>A (NM_001354045.2).
Identifiers: ClinVar variation 631865 (VCV000631865.13), dbSNP rs767481770, ClinGen allele CA1682564.

ClinVar aggregate classification (germline): Conflicting classifications of pathogenicity. Review status: criteria provided, conflicting classifications (1 of 4 stars). 5 submissions from 5 submitters: Likely pathogenic (4); Uncertain significance (1). Last evaluated 2025-10-06.

Conditions:
Heart defect - tongue hamartoma - polysyndactyly syndrome. Also called: Congenital heart defects, hamartomas of tongue, and polysyndactyly. Identifiers: Orphanet 1338, MedGen C1857587, MONDO:0009008, OMIM 217085.
Bardet-Biedl syndrome 15 (BBS15). Identifiers: Orphanet 110, MedGen C3150127, MONDO:0014443, OMIM 615992.
Bardet-Biedl syndrome (BBS). Identifiers: Orphanet 110, MedGen C0752166, MONDO:0015229.

Allele frequency attached by ClinVar (database versions not stated): ExAC below 0.00001; gnomAD exomes 0.00001 and 0.00005; gnomAD 0.00005 and 0.00006; TOPMed 0.00005.
gnomAD v4.1: 82 of 1,573,236 alleles (0.0052%); highest among the groups gnomAD compares: Non-Finnish European, 0.0069%; no homozygotes.

Submissions (5):

Labcorp Genetics (formerly Invitae), Labcorp
Classification: Likely pathogenic for Bardet-Biedl syndrome. Last evaluated: 2025-10-06. Review status: criteria provided, single submitter. Criteria: Invitae Variant Classification Sherloc (09022015). Collection method: clinical testing. Allele origin: germline.
Comment: This sequence change affects an acceptor splice site in intron 3 of the WDPCP gene. It is expected to disrupt RNA splicing. Variants that disrupt the donor or acceptor splice site typically lead to a loss of protein function (PMID: 16199547), and loss-of-function variants in WDPCP are known to be pathogenic (PMID: 20671153, 25427950, 27158779). The frequency data for this variant in the population databases is considered unreliable, as metrics indicate poor data quality at this position in the gnomAD database. This variant has not been reported in the literature in individuals affected with WDPCP-related conditions. ClinVar contains an entry for this variant (Variation ID: 631865). Algorithms developed to predict the effect of sequence changes on RNA splicing suggest that this variant may disrupt the consensus splice site. In summary, the currently available evidence indicates that the variant is pathogenic, but additional data are needed to prove that conclusively. Therefore, this variant has been classified as Likely Pathogenic.

Blueprint Genetics
Classification: Uncertain significance. Last evaluated: 2024-11-07. Review status: criteria provided, single submitter. Criteria: ACMG Guidelines, 2015. Collection method: clinical testing. Allele origin: germline.

Fulgent Genetics
Classification: Likely pathogenic for Heart defect - tongue hamartoma - polysyndactyly syndrome; Bardet-Biedl syndrome 15. Last evaluated: 2024-03-07. Review status: criteria provided, single submitter. Criteria: ACMG Guidelines, 2015. Collection method: clinical testing. Allele origin: germline.

Women's Health and Genetics/Laboratory Corporation of America, LabCorp
Classification: Likely pathogenic for Bardet-Biedl syndrome 15. Last evaluated: 2024-03-01. Review status: criteria provided, single submitter. Criteria: LabCorp Variant Classification Summary - May 2015. Collection method: clinical testing. Allele origin: germline.
Comment: Variant summary: WDPCP c.209-1G>A is located in a canonical splice-site and is predicted to affect mRNA splicing resulting in a significantly altered protein due to either exon skipping, shortening, or inclusion of intronic material. A computational tool predicts a significant impact on normal splicing, and predicts that the variant abolishes a canonical 3' acceptor site and creates a cryptic 3' acceptor site. However, these predictions have yet to be confirmed by functional studies. The variant allele was found at a frequency of 1e-05 in 195556 control chromosomes (gnomAD). To our knowledge, no occurrence of c.209-1G>A in individuals affected with Bardet-Biedl Syndrome 15 and no experimental evidence demonstrating its impact on protein function have been reported. ClinVar contains an entry for this variant (Variation ID: 631865). Based on the evidence outlined above, the variant was classified as likely pathogenic.

Department of Pathology and Laboratory Medicine, Sinai Health System
Classification: Likely pathogenic for Heart defect - tongue hamartoma - polysyndactyly syndrome. Last evaluated: 2023-10-19. Review status: criteria provided, single submitter. Criteria: ACMG Guidelines, 2015. Collection method: research. Allele origin: germline.

Literature cited by the submitters: PubMed 16199547 (cited by Labcorp Genetics (formerly Invitae), Labcorp); PubMed 20671153 (cited by Labcorp Genetics (formerly Invitae), Labcorp); PubMed 25427950 (cited by Labcorp Genetics (formerly Invitae), Labcorp); PubMed 27158779 (cited by Labcorp Genetics (formerly Invitae), Labcorp).